The following is an entry in ClinVar:

NM_175737.4(KLB):c.916G>A (p.Glu306Lys)

Gene: KLB (klotho beta; plus strand). Cytogenetic location: 4p14.
Variant type: single nucleotide variant.
Coding change: c.916G>A on transcript NM_175737.4 (MANE Select); coding-DNA position 916, G replaced by A.
Protein change: p.Glu306Lys; replaces glutamic acid 306 with lysine.
Molecular consequence: missense variant.
Genome position (GRCh38, 1-based): chr4:39,434,300, G>A. VCF-style: chr4-39434300-G-A. GRCh37 (hg19) VCF-style: chr4-39435920-G-A.
Other names: short protein forms E306K.
Identifiers: ClinVar variation 3702571 (VCV003702571.2).
Genomic context (GRCh38, chr4:39,434,300, plus strand): 5'-ACACATTTCCGCCCACATCAGAAGGGTTGGTTATCGATCACGTTGGGATCTCATTGGATC[G>A]AGCCAAACCGGTCGGAAAACACGATGGATATATTCAAATGTCAACAATCCATGGTTTCTG-3'
Protein context (NP_783864.1, residues 296-316): LSITLGSHWI[Glu306Lys]PNRSENTMDI

ClinVar aggregate classification (germline): Uncertain significance (1 of 4 stars; one submission).

gnomAD v4.1: 58 of 1,614,018 alleles (0.0036%); highest among the groups gnomAD compares: African/African-American, 0.019%; no homozygotes.

Submission:

Labcorp Genetics (formerly Invitae), Labcorp
Classification: Uncertain significance. Last evaluated: 2025-11-26. Review status: criteria provided, single submitter. Criteria: Invitae Variant Classification Sherloc (09022015). Collection method: clinical testing. Allele origin: germline.
Comment: This sequence change replaces glutamic acid, which is acidic and polar, with lysine, which is basic and polar, at codon 306 of the KLB protein (p.Glu306Lys). This variant is present in population databases (rs369333502, gnomAD 0.008%). This variant has not been reported in the literature in individuals affected with KLB-related conditions. ClinVar contains an entry for this variant (Variation ID: 3702571). Invitae Evidence Modeling of protein sequence and biophysical properties (such as structural, functional, and spatial information, amino acid conservation, physicochemical variation, residue mobility, and thermodynamic stability) indicates that this missense variant is not expected to disrupt KLB protein function with a negative predictive value of 80%. In summary, the available evidence is currently insufficient to determine the role of this variant in disease. Therefore, it has been classified as a Variant of Uncertain Significance.